The following is an entry in ClinVar:

NM_000501.4(ELN):c.1576+2T>A

Genes: ELN (elastin; plus strand), ELN-AS1 (ELN antisense RNA 1; minus strand). Cytogenetic location: 7q11.23.
Variant type: single nucleotide variant.
Coding change: c.1576+2T>A on transcript NM_000501.4 (MANE Select); the canonical splice donor site of the intron after coding-DNA position 1576, T replaced by A.
Molecular consequence: splice donor variant.
Genome position (GRCh38, 1-based): chr7:74,060,049, T>A. VCF-style: chr7-74060049-T-A. GRCh37 (hg19) VCF-style: chr7-73474379-T-A.
Other names: c.1591+2T>A (NM_001081754.3); c.1534+2T>A (NM_001081753.3); c.1663+2T>A (NM_001278939.2); c.1594+2T>A (NM_001278915.2); c.1576+2T>A (NM_001278912.2); c.1519+2T>A (NM_001081755.3); c.1477+2T>A (NM_001278916.2); c.1333+2T>A (NM_001278913.2); and 4 more.
Identifiers: ClinVar variation 2855305 (VCV002855305.3), dbSNP rs2486286311, ClinGen allele CA367885687.

ClinVar aggregate classification (germline): Likely pathogenic (1 of 4 stars; one submission).

Conditions:
Supravalvar aortic stenosis (SVAS). Also called: Supravalvar aortic stenosis, Eisenberg type. Identifiers: Orphanet 3193, MedGen C0003499, MONDO:0008504, OMIM 185500, HP:0004381.

Submission:

Labcorp Genetics (formerly Invitae), Labcorp
Classification: Likely pathogenic for Supravalvar aortic stenosis. Last evaluated: 2023-04-18. Review status: criteria provided, single submitter. Criteria: Invitae Variant Classification Sherloc (09022015). Collection method: clinical testing. Allele origin: germline.
Comment: In summary, the currently available evidence indicates that the variant is pathogenic, but additional data are needed to prove that conclusively. Therefore, this variant has been classified as Likely Pathogenic. Algorithms developed to predict the effect of sequence changes on RNA splicing suggest that this variant may disrupt the consensus splice site. This variant has not been reported in the literature in individuals affected with ELN-related conditions. This variant is not present in population databases (gnomAD no frequency). This sequence change affects a donor splice site in intron 24 of the ELN gene. It is expected to disrupt RNA splicing. Variants that disrupt the donor or acceptor splice site typically lead to a loss of protein function (PMID: 16199547), and loss-of-function variants in ELN are known to be pathogenic (PMID: 11175284).

Literature cited by the submitters: PubMed 16199547; PubMed 11175284.